The following is an entry in ClinVar:

NM_000179.3(MSH6):c.2555AGA[4] (p.Lys854_Ile855insLys)

Gene: MSH6 (mutS homolog 6; plus strand). Cytogenetic location: 2p16.3.
Variant type: Microsatellite.
Coding change: c.2555AGA[4] on transcript NM_000179.3 (MANE Select); four copies in a row of the 3-base unit AGA starting at c.2555; the reference has three copies in a row; one copy, 3 bases duplicated.
Protein change: p.Lys854_Ile855insLys.
Molecular consequence: inframe insertion. On other transcripts: inframe indel (2), non-coding transcript variant (5), intron variant (3).
Genome position (GRCh38, 1-based): chr2:47,800,544-47,800,546, AGA duplicated; duplicating any 3 consecutive bases within chr2:47,800,537-47,800,546 gives the same sequence; the position shown is the placement nearest the transcript's 3' end. VCF-style (leftmost placement, unchanged base first): chr2-47800536-C-CAAG. GRCh37 (hg19) VCF-style: chr2-48027675-C-CAAG.
Other names: c.2561_2563dupAGA (NM_000179.2); c.2555_2557AGA[4], p.Lys854_Ile855insLys (NM_000179.2); c.2165AGA[4], p.Lys724_Ile725insLys (NM_001281492.2); c.1649AGA[4], p.Lys552_Ile553insLys (NM_001281493.2, NM_001281494.2, NM_001406811.1 and 6 more transcripts); c.2651AGA[4], p.Lys886_Ile887insLys (NM_001406795.1, NM_001406802.1); c.2555AGA[4], p.Lys854_Ile855insLys (NM_001406796.1, NM_001406798.1, NM_001406800.1 and 2 more transcripts); c.2258AGA[4], p.Lys755_Ile756insLys (NM_001406797.1, NM_001406801.1, NM_001406805.1 and 10 more transcripts); c.2030AGA[4], p.Lys679_Ile680insLys (NM_001406799.1, NM_001406806.1, NM_001406807.1); and 6 more.
Identifiers: ClinVar variation 3076144 (VCV003076144.1), dbSNP rs587782858, ClinGen allele CA2825001113.

ClinVar aggregate classification (germline): Uncertain significance (1 of 4 stars; one submission).

Conditions:
Hereditary cancer-predisposing syndrome. Also called: Neoplastic Syndromes, Hereditary; Tumor predisposition; Hereditary neoplastic syndrome; Hereditary Cancer Syndrome. Identifiers: Orphanet 140162, MedGen C0027672, MeSH D009386, MONDO:0015356.

Submission:

Ambry Genetics
Classification: Uncertain significance for Hereditary cancer-predisposing syndrome. Last evaluated: 2017-11-08. Review status: criteria provided, single submitter. Criteria: Ambry Variant Classification Scheme 2023. Collection method: clinical testing. Allele origin: germline.
Comment: The c.2561_2563dupAGA (p.K854DUP) alteration is located in exon 4 (coding exon 4) of the MSH6 gene. The alteration consists of an in-frame duplication of 3 nucleotides from position 2561 to 2563, resulting in the duplication of <NA> residues. Based on insufficient or conflicting evidence, the clinical significance of this alteration remains unclear.